The following is an entry in ClinVar:

ClinVar aggregate classification (germline): Uncertain significance (1 of 4 stars; one submission).

Conditions:
Hereditary cancer-predisposing syndrome. Also called: Hereditary neoplastic syndrome; Tumor predisposition; Neoplastic Syndromes, Hereditary; Hereditary Cancer Syndrome. Identifiers: Orphanet 140162, MedGen C0027672, MeSH D009386, MONDO:0015356.

Submission:

Sema4
Classification: Uncertain significance for Hereditary cancer-predisposing syndrome. Last evaluated: 2021-04-08. Review status: criteria provided, single submitter. Criteria: Sema4 Curation Guidelines. Collection method: curation. Allele origin: germline.
Comment: The BRCA1 c.-19-22_-19-21delAT variant has been reported in heterozygosity in at least three individuals with breast cancer or ovarian cancer (PMID: 28364669, 30204945). This variant was observed in 21/245184 chromosomes in the Genome Aggregation Database (PMID: 32461654). The variant has not been reported in ClinVar. In silico tools suggest no impact on splicing, though these predictions have not been confirmed by functional studies. Based on the current evidence available, this variant is interpreted as a variant of uncertain significance.

Literature cited by the submitters: PubMed 28364669; PubMed 30204945.

NM_007294.4(BRCA1):c.-19-32AT[5]

Gene: BRCA1 (BRCA1 DNA repair associated; minus strand). Cytogenetic location: 17q21.31.
Variant type: Microsatellite.
Coding change: c.-19-32AT[5] on transcript NM_007294.4 (MANE Select); five copies in a row of the 2-base unit AT starting at c.-19-32; the reference has six copies in a row; one copy, 2 bases deleted.
Molecular consequence: intron variant.
Genome position (GRCh38, 1-based): chr17:43,124,136-43,124,137, AT deleted on the plus strand (AT on the coding strand, the reverse complement: BRCA1 is on the minus strand); deleting any 2 consecutive bases within chr17:43,124,136-43,124,147 gives the same sequence; the position shown is the placement nearest the transcript's 3' end. VCF-style (leftmost placement, unchanged base first): chr17-43124135-CAT-C. GRCh37 (hg19) VCF-style: chr17-41276152-CAT-C.
Other names: c.-106-32AT[5] (NM_007297.4); c.-19-32AT[5] (NM_007299.4, NM_007300.4).
Identifiers: ClinVar variation 1692957 (VCV001692957.1), dbSNP rs273898667, ClinGen allele CA054667.